The following is an entry in ClinVar:

ClinVar aggregate classification (germline): Benign. Review status: criteria provided, multiple submitters, no conflicts (2 of 4 stars). 3 submissions from 3 submitters: Benign (3). Last evaluated 2026-02-01.

Conditions:
Joubert syndrome 23 (JBTS23). Identifiers: Orphanet 475, MedGen C4084822, MONDO:0014664, OMIM 616490.
Short-rib thoracic dysplasia 14 with polydactyly (SRTD14). Identifiers: Orphanet 397715, MedGen C4225286, MONDO:0014688, OMIM 616546.

Allele frequency attached by ClinVar (database versions not stated): gnomAD exomes 0.00100 and 0.00288; ExAC 0.00397; gnomAD 0.01130 and 0.01209; ESP Exome Variant Server 0.01260; TOPMed 0.01297; 1000 Genomes Project 0.01558; 1000 Genomes Project 30x 0.01702.
gnomAD v4.1: 3,261 of 1,565,186 alleles (0.21%); highest among the groups gnomAD compares: African/African-American, 3.7%; 60 homozygotes.

Submissions (3):

Labcorp Genetics (formerly Invitae), Labcorp
Classification: Benign for Joubert syndrome 23; Short-rib thoracic dysplasia 14 with polydactyly. Last evaluated: 2026-02-01. Review status: criteria provided, single submitter. Criteria: Invitae Variant Classification Sherloc (09022015). Collection method: clinical testing. Allele origin: germline.

Mayo Clinic Laboratories, Mayo Clinic
Classification: Benign. Last evaluated: 2024-10-01. Review status: criteria provided, single submitter. Criteria: ACMG Guidelines, 2015. Collection method: clinical testing. Allele origin: germline. Observed: 1 variant allele.
Comment: BS1, BS2, BP7

GeneDx
Classification: Benign. Last evaluated: 2019-12-20. Review status: criteria provided, single submitter. Criteria: GeneDx Variant Classification Process June 2021. Collection method: clinical testing. Allele origin: germline. Affected: yes.

NM_001329943.3(KIAA0586):c.2060-3T>C

Gene: KIAA0586 (KIAA0586; plus strand). Cytogenetic location: 14q23.1.
Variant type: single nucleotide variant.
Coding change: c.2060-3T>C on transcript NM_001329943.3 (MANE Select); 3 bases into the intron before coding-DNA position 2060, T replaced by C.
Molecular consequence: intron variant.
Genome position (GRCh38, 1-based): chr14:58,465,832, T>C. VCF-style: chr14-58465832-T-C. GRCh37 (hg19) VCF-style: chr14-58932550-T-C.
Other names: p.?; c.1640-3T>C (NM_001244193.2); c.2219-3T>C (NM_001244189.2); c.2015-3T>C (NM_001244190.2); c.1928-3T>C (NM_001244192.2); c.1805-3T>C (NM_001244191.2, NM_001364701.2, NM_001329945.2 and 1 more transcripts); c.2060-3T>C (NM_001329944.2, NM_001329946.2, NM_001329947.2); c.1832-3T>C (NM_014749.5).
Identifiers: ClinVar variation 475442 (VCV000475442.14), dbSNP rs17094553, ClinGen allele CA7205778.